The following is an entry in ClinVar:

NM_000350.3(ABCA4):c.3383A>G (p.Asp1128Gly)

Gene: ABCA4 (ATP binding cassette subfamily A member 4; minus strand). Cytogenetic location: 1p22.1.
Variant type: single nucleotide variant.
Coding change: c.3383A>G on transcript NM_000350.3 (MANE Select); coding-DNA position 3383, A replaced by G.
Protein change: p.Asp1128Gly; replaces aspartic acid 1128 with glycine.
Molecular consequence: missense variant.
Genome position (GRCh38, 1-based): chr1:94,041,348, T>C on the plus strand (A>G on the coding strand, the complement: ABCA4 is on the minus strand). VCF-style: chr1-94041348-T-C. GRCh37 (hg19) VCF-style: chr1-94506904-T-C.
Other names: c.3161A>G, p.Asp1054Gly (NM_001425324.1); short protein forms D1128G, D1054G.
Identifiers: ClinVar variation 865859 (VCV000865859.5), dbSNP rs1660480861, ClinGen allele CA341291111.

ClinVar aggregate classification (germline): Conflicting classifications of pathogenicity. Review status: criteria provided, conflicting classifications (1 of 4 stars). 3 submissions from 3 submitters: Likely pathogenic (1); Uncertain significance (1). 1 of the submissions does not count toward it. Last evaluated 2025-08-01.

Conditions:
Severe early-childhood-onset retinal dystrophy (STGD1). Also called: Stargardt macular dystrophy; Juvenile onset macular degeneration; Stargardt disease 1; MACULAR DYSTROPHY WITH FLECKS, TYPE 1; STGD. Identifiers: Orphanet 364055, Orphanet 827, MedGen C1855465, MeSH D000080362, MONDO:0009549, OMIM 248200.

Submissions (3):

Dasa
Classification: Likely pathogenic. Last evaluated: 2025-08-01. Review status: criteria provided, single submitter. Criteria: DASA Assertion Criteria. Collection method: clinical testing. Allele origin: germline.
Comment: NM_000350.3(ABCA4):c.3383A>G (p.Asp1128Gly) is a missense variant that results in the substitution of aspartic acid with glycine. The affected residue or protein region has prior evidence supporting clinical relevance. This variant has been reported in individuals with ABCA4-related disorders (PMID: 31736247). Also, this variant is absent from population databases. Computational evidence supports a deleterious effect. Based on the currently available evidence, this variant is classified as likely pathogenic.

Blueprint Genetics
Classification: Uncertain significance. Last evaluated: 2019-01-22. Review status: criteria provided, single submitter. Criteria: ACMG Guidelines, 2015. Collection method: clinical testing. Allele origin: germline.

Ophthalmo-Genetics Lab, Instituto de Oftalmologia Conde de Valenciana
Classification: Likely pathogenic for Severe early-childhood-onset retinal dystrophy. Review status: no assertion criteria provided. Collection method: research. Allele origin: germline. Inheritance: Autosomal recessive inheritance. Affected: yes. Not counted in ClinVar's aggregate classification.

Literature cited by the submitters: PubMed 31736247 (cited by Dasa and Ophthalmo-Genetics Lab, Instituto de Oftalmologia Conde de Valenciana).